The following is an entry in ClinVar:

NM_001171.6(ABCC6):c.1540G>A (p.Val514Ile)

Gene: ABCC6 (ATP binding cassette subfamily C member 6; minus strand). Cytogenetic location: 16p13.11.
Variant type: single nucleotide variant.
Coding change: c.1540G>A on transcript NM_001171.6 (MANE Select); coding-DNA position 1540, G replaced by A.
Protein change: p.Val514Ile; replaces valine 514 with isoleucine.
Molecular consequence: missense variant. On other transcripts: non-coding transcript variant (1).
Genome position (GRCh38, 1-based): chr16:16,190,259, C>T on the plus strand (G>A on the coding strand, the complement: ABCC6 is on the minus strand). VCF-style: chr16-16190259-C-T. GRCh37 (hg19) VCF-style: chr16-16284116-C-T.
Other names: c.1198G>A, p.Val400Ile (NM_001351800.1); short protein forms V514I, V400I.
Identifiers: ClinVar variation 433236 (VCV000433236.50), dbSNP rs59157279, ClinGen allele CA7926273.

ClinVar aggregate classification (germline): Conflicting classifications of pathogenicity. Review status: criteria provided, conflicting classifications (1 of 4 stars). 10 submissions from 10 submitters: Uncertain significance (1); Likely benign (8). 1 of the submissions does not count toward it. Last evaluated 2026-01-22.

Conditions:
Autosomal recessive inherited pseudoxanthoma elasticum (PXE). Identifiers: Orphanet 758, MedGen CN032334, MONDO:0009925, OMIM 264800.
Pseudoxanthoma elasticum, forme fruste. Also called: Pseudoxanthoma Elasticum, Incomplete; PSEUDOXANTHOMA ELASTICUM, HETEROZYGOUS. Identifiers: Orphanet 758, MedGen C1867450, MONDO:0008333, OMIM 177850.
Arterial calcification, generalized, of infancy, 2. Identifiers: Orphanet 51608, MedGen C3276161, MONDO:0013768, OMIM 614473.
ABCC6-related disorder. Also called: ABCC6-related condition.

Allele frequency attached by ClinVar (database versions not stated): 1000 Genomes Project 30x 0.00031; 1000 Genomes Project 0.00040; gnomAD 0.00049 and 0.00054; ESP Exome Variant Server 0.00054; TOPMed 0.00069; ExAC 0.00098; gnomAD exomes 0.00106.
gnomAD v4.1: 1,119 of 1,614,144 alleles (0.069%); highest among the groups gnomAD compares: Middle Eastern, 1%; 6 homozygotes.

Submissions (10):

Labcorp Genetics (formerly Invitae), Labcorp
Classification: Likely benign. Last evaluated: 2026-01-22. Review status: criteria provided, single submitter. Criteria: Invitae Variant Classification Sherloc (09022015). Collection method: clinical testing. Allele origin: germline.

Dasa
Classification: Likely benign. Last evaluated: 2025-11-10. Review status: criteria provided, single submitter. Criteria: DASA Assertion Criteria. Collection method: clinical testing. Allele origin: germline.
Comment: NM_001171.6(ABCC6):c.1540G>A (p.Val514Ile) is a missense variant that results in the substitution of valine with isoleucine. Population frequency is inconsistent with a disease-causing role for this variant. Therefore, based on the currently available evidence, this variant is classified as likely benign.

CeGaT Center for Human Genetics Tuebingen
Classification: Likely benign. Last evaluated: 2025-09-01. Review status: criteria provided, single submitter. Criteria: CeGaT Center For Human Genetics Tuebingen Variant Classification Criteria Version 2. Collection method: clinical testing. Allele origin: germline. Affected: yes. Observed: 7 variant alleles.
Comment: ABCC6: BP4, BS2

Blueprint Genetics
Classification: Likely benign. Last evaluated: 2024-11-12. Review status: criteria provided, single submitter. Criteria: ACMG Guidelines, 2015. Collection method: clinical testing. Allele origin: germline.

Women's Health and Genetics/Laboratory Corporation of America, LabCorp
Classification: Likely benign. Last evaluated: 2024-11-12. Review status: criteria provided, single submitter. Criteria: LabCorp Variant Classification Summary - May 2015. Collection method: clinical testing. Allele origin: germline.
Comment: Variant summary: ABCC6 c.1540G>A (p.Val514Ile) results in a conservative amino acid change located in the first transmembrane domain (IPR011527) of the encoded protein sequence. Four of five in-silico tools predict a benign effect of the variant on protein function. The variant allele was found at a frequency of 0.00066 in 1607170 control chromosomes, predominantly at a frequency of 0.0032 within the South Asian subpopulation in the gnomAD database (v4.1 dataset), including 4 homozygotes. The observed variant frequency within South Asian control individuals in the gnomAD database exceeds the estimated maximal expected allele frequency for a pathogenic variant in ABCC6 causing Pseudoxanthoma Elasticum phenotype. To our knowledge, no occurrence of c.1540G>A in individuals affected with Pseudoxanthoma Elasticum and no experimental evidence demonstrating its impact on protein function have been reported. ClinVar contains an entry for this variant (Variation ID: 433236). Based on the evidence outlined above, the variant was classified as likely benign.

PreventionGenetics, part of Exact Sciences
Classification: Likely benign for ABCC6-related condition. Last evaluated: 2024-10-04. Review status: criteria provided, single submitter. Criteria: ACMG Guidelines, 2015. Collection method: clinical testing. Allele origin: germline.
Comment: This variant is classified as likely benign based on ACMG/AMP sequence variant interpretation guidelines (Richards et al. 2015 PMID: 25741868, with internal and published modifications).

Fulgent Genetics
Classification: Likely benign for Pseudoxanthoma elasticum, forme fruste; Autosomal recessive inherited pseudoxanthoma elasticum; Arterial calcification, generalized, of infancy, 2. Last evaluated: 2021-08-16. Review status: criteria provided, single submitter. Criteria: ACMG Guidelines, 2015. Collection method: clinical testing. Allele origin: unknown.

Revvity Omics, Revvity
Classification: Uncertain significance. Last evaluated: 2020-10-29. Review status: criteria provided, single submitter. Criteria: ACMG Guidelines, 2015. Collection method: clinical testing. Allele origin: germline.

Breakthrough Genomics
Classification: Likely benign. Review status: criteria provided, single submitter. Criteria: ACMG Guidelines, 2015. Collection method: not provided. Allele origin: germline. Inheritance: Autosomal recessive inheritance. Affected: yes.

PXE International
Classification: Likely benign for Autosomal recessive inherited pseudoxanthoma elasticum. Last evaluated: 2021-02-02. Review status: no assertion criteria provided. Collection method: research. Allele origin: germline. Inheritance: Autosomal recessive inheritance. Affected: yes. Not counted in ClinVar's aggregate classification.

Literature cited by the submitters: PubMed 16086317 (cited by PXE International); PubMed 32873932 (cited by PXE International).